The following is an entry in ClinVar:

ClinVar aggregate classification (germline): Uncertain significance (1 of 4 stars; one submission).

Conditions:
Autosomal dominant nonsyndromic hearing loss 1. Also called: KONIGSMARK SYNDROME; DEAFNESS, AUTOSOMAL DOMINANT 1, WITH OR WITHOUT THROMBOCYTOPENIA. Identifiers: Orphanet 90635, MedGen C1852282, MONDO:0007424, OMIM 124900.
Progressive microcephaly-seizures-cortical blindness-developmental delay syndrome. Also called: Seizures, cortical blindness, and microcephaly syndrome. Identifiers: Orphanet 477814, MedGen C5567650, MONDO:0014714, OMIM 616632.

Submission:

Labcorp Genetics (formerly Invitae), Labcorp
Classification: Uncertain significance for Progressive microcephaly-seizures-cortical blindness-developmental delay syndrome; Autosomal dominant nonsyndromic hearing loss 1. Last evaluated: 2024-01-27. Review status: criteria provided, single submitter. Criteria: Invitae Variant Classification Sherloc (09022015). Collection method: clinical testing. Allele origin: germline.
Comment: This variant, c.175_177del, results in the deletion of 1 amino acid(s) of the DIAPH1 protein (p.Lys59del), but otherwise preserves the integrity of the reading frame. This variant is not present in population databases (gnomAD no frequency). This variant has not been reported in the literature in individuals affected with DIAPH1-related conditions. Experimental studies and prediction algorithms are not available or were not evaluated, and the functional significance of this variant is currently unknown. In summary, the available evidence is currently insufficient to determine the role of this variant in disease. Therefore, it has been classified as a Variant of Uncertain Significance.

NM_005219.5(DIAPH1):c.172AAG[1] (p.Lys59del)

Gene: DIAPH1 (diaphanous related formin 1; minus strand). Cytogenetic location: 5q31.3.
Variant type: Microsatellite.
Coding change: c.172AAG[1] on transcript NM_005219.5 (MANE Select); one copy of the 3-base unit AAG starting at c.172; the reference has two copies in a row; one copy, 3 bases deleted.
Protein change: p.Lys59del; deletes lysine 59.
Molecular consequence: inframe deletion.
Genome position (GRCh38, 1-based): chr5:141,587,165-141,587,167, CTT deleted on the plus strand (AAG on the coding strand, the reverse complement: DIAPH1 is on the minus strand); deleting any 3 consecutive bases within chr5:141,587,165-141,587,170 gives the same sequence; the position shown is the placement nearest the transcript's 3' end. VCF-style (leftmost placement, unchanged base first): chr5-141587164-CCTT-C. GRCh37 (hg19) VCF-style: chr5-140966731-CCTT-C.
Other names: c.145AAG[1], p.Lys50del (NM_001079812.3); c.172AAG[1], p.Lys59del (NM_001314007.2); short protein forms K50del, K59del.
Identifiers: ClinVar variation 2922628 (VCV002922628.3), dbSNP rs2513781352, ClinGen allele CA2740094123.